The following is an entry in ClinVar:

ClinVar aggregate classification (germline): Likely benign. Review status: criteria provided, multiple submitters, no conflicts (2 of 4 stars). 3 submissions from 3 submitters: Likely benign (3). Last evaluated 2025-08-06.

Conditions:
RP1L1-related disorder. Also called: RP1L1-related condition.

Allele frequency attached by ClinVar (database versions not stated): ExAC 0.00004; gnomAD exomes 0.00004; gnomAD 0.00005.
gnomAD v4.1: 71 of 1,613,462 alleles (0.0044%); highest among the groups gnomAD compares: Middle Eastern, 0.033%; no homozygotes.

Submissions (3):

PreventionGenetics, part of Exact Sciences
Classification: Likely benign for RP1L1-related condition. Last evaluated: 2025-08-06. Review status: criteria provided, single submitter. Criteria: ACMG Guidelines, 2015. Collection method: clinical testing. Allele origin: germline.
Comment: This variant is classified as likely benign based on ACMG/AMP sequence variant interpretation guidelines (Richards et al. 2015 PMID: 25741868, with internal and published modifications).

Blueprint Genetics
Classification: Likely benign. Last evaluated: 2024-09-09. Review status: criteria provided, single submitter. Criteria: ACMG Guidelines, 2015. Collection method: clinical testing. Allele origin: germline.

CeGaT Center for Human Genetics Tuebingen
Classification: Likely benign. Last evaluated: 2022-12-01. Review status: criteria provided, single submitter. Criteria: CeGaT Center For Human Genetics Tuebingen Variant Classification Criteria Version 2. Collection method: clinical testing. Allele origin: germline. Affected: yes. Observed: 1 variant allele.
Comment: RP1L1: BP4, BP7

NM_178857.6(RP1L1):c.2379G>T (p.Gly793=)

Gene: RP1L1 (RP1 like 1). Cytogenetic location: 8p23.1.
Variant type: single nucleotide variant.
Coding change: c.2379G>T on transcript NM_178857.6 (MANE Select); coding-DNA position 2379, G replaced by T.
Protein change: p.Gly793=; no amino-acid change (glycine 793 retained).
Molecular consequence: synonymous variant.
Genome position (GRCh38, 1-based): chr8:10,611,719, C>A on the plus strand (G>T on the coding strand, the complement: RP1L1 is on the minus strand). VCF-style: chr8-10611719-C-A. GRCh37 (hg19) VCF-style: chr8-10469229-C-A.
Other names: c.2379G>T (NM_178857.5).
Identifiers: ClinVar variation 2658393 (VCV002658393.26), dbSNP rs760261369, ClinGen allele CA4624853.